The following is an entry in ClinVar:

NM_000540.3(RYR1):c.12147A>C (p.Glu4049Asp)

Gene: RYR1 (ryanodine receptor 1; plus strand). Cytogenetic location: 19q13.2.
Variant type: single nucleotide variant.
Coding change: c.12147A>C on transcript NM_000540.3 (MANE Select); coding-DNA position 12147, A replaced by C.
Protein change: p.Glu4049Asp; replaces glutamic acid 4049 with aspartic acid.
Molecular consequence: missense variant.
Genome position (GRCh38, 1-based): chr19:38,548,285, A>C. VCF-style: chr19-38548285-A-C. GRCh37 (hg19) VCF-style: chr19-39038925-A-C.
Other names: c.12132A>C, p.Glu4044Asp (NM_001042723.2); short protein forms E4049D, E4044D.
Identifiers: ClinVar variation 2892845 (VCV002892845.3), dbSNP rs2514600175, ClinGen allele CA405665314.

ClinVar aggregate classification (germline): Likely pathogenic (1 of 4 stars; one submission).

Conditions:
RYR1-related disorder. Also called: RYR1-related condition; RYR1-related disorders. Identifiers: MedGen CN239331.

Submission:

Labcorp Genetics (formerly Invitae), Labcorp
Classification: Likely pathogenic for RYR1-related disorder. Last evaluated: 2023-05-12. Review status: criteria provided, single submitter. Criteria: Invitae Variant Classification Sherloc (09022015). Collection method: clinical testing. Allele origin: germline.
Comment: In summary, the currently available evidence indicates that the variant is pathogenic, but additional data are needed to prove that conclusively. Therefore, this variant has been classified as Likely Pathogenic. This variant disrupts the p.Glu409 amino acid residue in RYR1. Other variant(s) that disrupt this residue have been determined to be pathogenic (Invitae). This suggests that this residue is clinically significant, and that variants that disrupt this residue are likely to be disease-causing. Advanced modeling of protein sequence and biophysical properties (such as structural, functional, and spatial information, amino acid conservation, physicochemical variation, residue mobility, and thermodynamic stability) performed at Invitae indicates that this missense variant is expected to disrupt RYR1 protein function. This variant has not been reported in the literature in individuals affected with RYR1-related conditions. This variant is not present in population databases (gnomAD no frequency). This sequence change replaces glutamic acid, which is acidic and polar, with aspartic acid, which is acidic and polar, at codon 4049 of the RYR1 protein (p.Glu4049Asp).